The following is an entry in ClinVar:

ClinVar aggregate classification (germline): Uncertain significance (1 of 4 stars; one submission).

Submission:

GeneDx
Classification: Uncertain significance. Last evaluated: 2023-04-03. Review status: criteria provided, single submitter. Criteria: GeneDx Variant Classification Process June 2021. Collection method: clinical testing. Allele origin: germline. Affected: yes.
Comment: Not observed at significant frequency in large population cohorts (gnomAD); Missense variants in this gene are often considered pathogenic (HGMD); In silico analysis supports that this missense variant has a deleterious effect on protein structure/function; Has not been previously published as pathogenic or benign to our knowledge; This substitution is predicted to be within the transmembrane helical of the second homologous domain

NM_001165963.4(SCN1A):c.2510G>A (p.Gly837Asp)

Gene: SCN1A (sodium voltage-gated channel alpha subunit 1; minus strand). Cytogenetic location: 2q24.3.
Variant type: single nucleotide variant.
Coding change: c.2510G>A on transcript NM_001165963.4 (MANE Select); coding-DNA position 2510, G replaced by A.
Protein change: p.Gly837Asp; replaces glycine 837 with aspartic acid.
Molecular consequence: missense variant. On other transcripts: non-coding transcript variant (1).
Genome position (GRCh38, 1-based): chr2:166,039,502, C>T on the plus strand (G>A on the coding strand, the complement: SCN1A is on the minus strand). VCF-style: chr2-166039502-C-T. GRCh37 (hg19) VCF-style: chr2-166896012-C-T.
Other names: c.2426G>A, p.Gly809Asp (NM_001165964.3, NM_001353957.2, NM_001353958.2); c.2510G>A, p.Gly837Asp (NM_001202435.3, NM_001353948.2); c.2477G>A, p.Gly826Asp (NM_001353949.2, NM_001353950.2, NM_001353951.2 and 2 more transcripts); c.2474G>A, p.Gly825Asp (NM_001353954.2, NM_001353955.2); c.2423G>A, p.Gly808Asp (NM_001353960.2); c.68G>A, p.Gly23Asp (NM_001353961.2); short protein forms G23D, G808D, G809D, G825D, G826D, G837D.
Identifiers: ClinVar variation 2661983 (VCV002661983.1), dbSNP rs2468114293, ClinGen allele CA349062576.
Genomic context (GRCh38, chr2:166,039,502, plus strand): 5'-ACAGATAATCCTTCCACATTGGCGAGTCCAAGTTCTACCAGGCTAAGCGTCACAATAAAA[C>T]CGTCAAAGATATTCCAGCCTTCTTGGAAATAATAGTAAGGATCCATGGCAATAATTTTCA-3'
Protein context (NP_001159435.1, residues 827-847): YFQEGWNIFD[Gly837Asp]FIVTLSLVEL